The following is an entry in ClinVar:

NM_013254.4(TBK1):c.2174A>G (p.Asn725Ser)

Gene: TBK1 (TANK binding kinase 1; plus strand). Cytogenetic location: 12q14.2.
Variant type: single nucleotide variant.
Coding change: c.2174A>G on transcript NM_013254.4 (MANE Select); coding-DNA position 2174, A replaced by G.
Protein change: p.Asn725Ser; replaces asparagine 725 with serine.
Molecular consequence: missense variant.
Genome position (GRCh38, 1-based): chr12:64,501,365, A>G. VCF-style: chr12-64501365-A-G. GRCh37 (hg19) VCF-style: chr12-64895145-A-G.
Other names: short protein forms N725S.
Identifiers: ClinVar variation 1515712 (VCV001515712.8), dbSNP rs2136092274, ClinGen allele CA385608718.

ClinVar aggregate classification (germline): Uncertain significance. Review status: criteria provided, multiple submitters, no conflicts (2 of 4 stars). 2 submissions from 2 submitters: Uncertain significance (2). Last evaluated 2025-10-13.

Conditions:
Frontotemporal dementia and/or amyotrophic lateral sclerosis 4. Also called: FTDALS4. Identifiers: Orphanet 275872, MedGen C4225325, MONDO:0014641, OMIM 616439.

Allele frequency attached by ClinVar (database versions not stated): gnomAD exomes below 0.00001.
gnomAD v4.1: 2 of 1,614,066 alleles (0.00012%); highest among the groups gnomAD compares: South Asian, 0.0011%; no homozygotes.

Submissions (2):

Labcorp Genetics (formerly Invitae), Labcorp
Classification: Uncertain significance for Frontotemporal dementia and/or amyotrophic lateral sclerosis 4. Last evaluated: 2025-10-13. Review status: criteria provided, single submitter. Criteria: Invitae Variant Classification Sherloc (09022015). Collection method: clinical testing. Allele origin: germline.
Comment: This sequence change replaces asparagine, which is neutral and polar, with serine, which is neutral and polar, at codon 725 of the TBK1 protein (p.Asn725Ser). This variant is not present in population databases (gnomAD no frequency). This variant has not been reported in the literature in individuals affected with TBK1-related conditions. ClinVar contains an entry for this variant (Variation ID: 1515712). Invitae Evidence Modeling of protein sequence and biophysical properties (such as structural, functional, and spatial information, amino acid conservation, physicochemical variation, residue mobility, and thermodynamic stability) indicates that this missense variant is not expected to disrupt TBK1 protein function with a negative predictive value of 95%. In summary, the available evidence is currently insufficient to determine the role of this variant in disease. Therefore, it has been classified as a Variant of Uncertain Significance.

Dasa
Classification: Uncertain significance. Last evaluated: 2025-07-30. Review status: criteria provided, single submitter. Criteria: DASA Assertion Criteria. Collection method: clinical testing. Allele origin: germline.
Comment: NM_013254.4(TBK1):c.2174A>G (p.Asn725Ser) is a missense variant that results in the substitution of asparagine with serine. This variant is rare in population databases. Computational prediction algorithms are consistent with a benign effect. The currently available literature and clinical evidence are not sufficient to establish a definitive association between this variant and the reported condition. Therefore, this variant is classified as a variant of uncertain significance.